The following is an entry in ClinVar:

NM_000051.4(ATM):c.8969A>C (p.Glu2990Ala)

Genes: ATM (ATM serine/threonine kinase; plus strand), C11orf65 (chromosome 11 open reading frame 65; minus strand). Cytogenetic location: 11q22.3.
Variant type: single nucleotide variant.
Coding change: c.8969A>C on transcript NM_000051.4 (MANE Select); coding-DNA position 8969, A replaced by C.
Protein change: p.Glu2990Ala; replaces glutamic acid 2990 with alanine.
Molecular consequence: missense variant. On other transcripts: intron variant (2).
Genome position (GRCh38, 1-based): chr11:108,365,200, A>C. VCF-style: chr11-108365200-A-C. GRCh37 (hg19) VCF-style: chr11-108235927-A-C.
Other names: c.8969A>C, p.Glu2990Ala (NM_001351834.2); c.640+20720T>G (NM_001330368.2); c.694+20720T>G (NM_001351110.2); short protein forms E2990A.
Identifiers: ClinVar variation 3450588 (VCV003450588.1).

ClinVar aggregate classification (germline): Uncertain significance (1 of 4 stars; one submission).

Conditions:
Hereditary cancer-predisposing syndrome. Also called: Tumor predisposition; Hereditary Cancer Syndrome; Neoplastic Syndromes, Hereditary; Hereditary neoplastic syndrome. Identifiers: Orphanet 140162, MedGen C0027672, MeSH D009386, MONDO:0015356.

Submission:

Ambry Genetics
Classification: Uncertain significance for Hereditary cancer-predisposing syndrome. Last evaluated: 2024-08-12. Review status: criteria provided, single submitter. Criteria: Ambry Variant Classification Scheme 2023. Collection method: clinical testing. Allele origin: germline.
Comment: The p.E2990A variant (also known as c.8969A>C), located in coding exon 61 of the ATM gene, results from an A to C substitution at nucleotide position 8969. The glutamic acid at codon 2990 is replaced by alanine, an amino acid with dissimilar properties. This amino acid position is conserved. In addition, this alteration is predicted to be tolerated by in silico analysis. Based on the available evidence, the clinical significance of this variant remains unclear.